The following is an entry in ClinVar:

ClinVar aggregate classification (germline): Likely pathogenic. Review status: criteria provided, multiple submitters, no conflicts (2 of 4 stars). 4 submissions from 4 submitters: Likely pathogenic (3). 1 of the submissions does not count toward it. Last evaluated 2025-09-03.

Conditions:
Maple syrup urine disease (MSUD). Identifiers: Orphanet 511, MedGen C0024776, MeSH D008375, MONDO:0009563. Disease mechanism: loss of function.
Maple syrup urine disease type 1B (MSUD1B). Also called: MSUD type IB; MSUD type 3 (formerly); MSUD due to deficiency of e1-beta subunit of branched-chain alpha-keto acid dehydrogenase complex. Identifiers: MedGen C2930990, MONDO:0023692, OMIM 620698.

Allele frequency attached by ClinVar (database versions not stated): gnomAD exomes below 0.00001; gnomAD 0.00001; ExAC 0.00002.
gnomAD v4.1: 2 of 1,612,564 alleles (0.00012%); highest among the groups gnomAD compares: Admixed American, 0.0017%; no homozygotes.

Submissions (4):

First Genomix Gene Laboratory, Genetic Diagnostics Department
Classification: Likely pathogenic for Maple syrup urine disease type 1B. Last evaluated: 2025-09-03. Review status: criteria provided, single submitter. Criteria: ACMG Guidelines, 2015. Collection method: clinical testing. Allele origin: germline. Inheritance: Autosomal recessive inheritance. Affected: no. Observed: 1 variant allele.

Baylor Genetics
Classification: Likely pathogenic for Maple syrup urine disease type 1A. Last evaluated: 2023-06-21. Review status: criteria provided, single submitter. Criteria: ACMG Guidelines, 2015. Collection method: clinical testing. Allele origin: unknown.

Labcorp Genetics (formerly Invitae), Labcorp
Classification: Likely pathogenic for Maple syrup urine disease. Last evaluated: 2019-12-31. Review status: criteria provided, single submitter. Criteria: Invitae Variant Classification Sherloc (09022015). Collection method: clinical testing. Allele origin: germline.
Comment: In summary, the currently available evidence indicates that the variant is pathogenic, but additional data are needed to prove that conclusively. Therefore, this variant has been classified as Likely Pathogenic. This variant disrupts the C-terminus of the BCKDHB protein. Other variants that disrupt this region (p.Glu372*, p.Arg387*, p.Tyr383*) have been observed in individuals with BCKDHB-related conditions (PMID: 11509994, 30228974, 11112664). This suggests that this may be a clinically significant region of the protein. Nucleotide substitutions within the consensus splice site are a relatively common cause of aberrant splicing (PMID: 17576681, 9536098). Algorithms developed to predict the effect of sequence changes on RNA splicing suggest that this variant may disrupt the consensus splice site, but this prediction has not been confirmed by published transcriptional studies. This variant has not been reported in the literature in individuals with BCKDHB-related conditions. This variant is present in population databases (rs762419044, ExAC 0.01%). This sequence change affects a donor splice site in the last intron (intron 9) of the BCKDHB gene. While this is not anticipated to result in nonsense mediated decay, it likely alters RNA splicing and results in a disrupted protein product.

Natera, Inc.
Classification: Likely pathogenic for Maple syrup urine disease type 1B. Last evaluated: 2021-06-29. Review status: no assertion criteria provided. Collection method: clinical testing. Allele origin: germline. Not counted in ClinVar's aggregate classification.

Literature cited by the submitters: PubMed 11509994 (cited by Labcorp Genetics (formerly Invitae), Labcorp); PubMed 30228974 (cited by Labcorp Genetics (formerly Invitae), Labcorp); PubMed 11112664 (cited by Labcorp Genetics (formerly Invitae), Labcorp); PubMed 17576681 (cited by Labcorp Genetics (formerly Invitae), Labcorp); PubMed 9536098 (cited by Labcorp Genetics (formerly Invitae), Labcorp).

NM_183050.4(BCKDHB):c.1038+2T>C

Gene: BCKDHB (branched chain keto acid dehydrogenase E1 subunit beta; plus strand). Cytogenetic location: 6q14.1.
Variant type: single nucleotide variant.
Coding change: c.1038+2T>C on transcript NM_183050.4 (MANE Select); the canonical splice donor site of the intron after coding-DNA position 1038, T replaced by C.
Molecular consequence: splice donor variant.
Genome position (GRCh38, 1-based): chr6:80,273,223, T>C. VCF-style: chr6-80273223-T-C. GRCh37 (hg19) VCF-style: chr6-80982940-T-C.
Other names: c.828+2T>C (NM_001318975.1); c.1038+2T>C (NM_000056.5, NM_183050.3).
Identifiers: ClinVar variation 861027 (VCV000861027.13), dbSNP rs762419044, ClinGen allele CA3902833.